The following is an entry in ClinVar:

ClinVar aggregate classification (germline): Uncertain significance. Review status: criteria provided, multiple submitters, no conflicts (2 of 4 stars). 2 submissions from 2 submitters: Uncertain significance (2). Last evaluated 2022-09-12.

Allele frequency attached by ClinVar (database versions not stated): ExAC 0.00009; gnomAD exomes 0.00016 and 0.00055; ESP Exome Variant Server 0.00018; gnomAD 0.00018 and 0.00019; TOPMed 0.00019.
gnomAD v4.1: 786 of 1,551,366 alleles (0.051%); highest among the groups gnomAD compares: Non-Finnish European, 0.066%; no homozygotes.

Submissions (2):

Labcorp Genetics (formerly Invitae), Labcorp
Classification: Uncertain significance. Last evaluated: 2022-09-12. Review status: criteria provided, single submitter. Criteria: Invitae Variant Classification Sherloc (09022015). Collection method: clinical testing. Allele origin: germline.
Comment: This sequence change replaces proline, which is neutral and non-polar, with leucine, which is neutral and non-polar, at codon 695 of the UNC45A protein (p.Pro695Leu). This variant is present in population databases (rs374422057, gnomAD 0.03%). This variant has not been reported in the literature in individuals affected with UNC45A-related conditions. ClinVar contains an entry for this variant (Variation ID: 1041738). Advanced modeling of protein sequence and biophysical properties (such as structural, functional, and spatial information, amino acid conservation, physicochemical variation, residue mobility, and thermodynamic stability) performed at Invitae indicates that this missense variant is expected to disrupt UNC45A protein function. In summary, the available evidence is currently insufficient to determine the role of this variant in disease. Therefore, it has been classified as a Variant of Uncertain Significance.

Breakthrough Genomics
Classification: Uncertain significance. Review status: criteria provided, single submitter. Criteria: ACMG Guidelines, 2015. Collection method: not provided. Allele origin: germline. Inheritance: Autosomal recessive inheritance. Affected: yes.

NM_018671.5(UNC45A):c.2084C>T (p.Pro695Leu)

Gene: UNC45A (unc-45 myosin chaperone A; plus strand). Cytogenetic location: 15q26.1.
Variant type: single nucleotide variant.
Coding change: c.2084C>T on transcript NM_018671.5 (MANE Select); coding-DNA position 2084, C replaced by T.
Protein change: p.Pro695Leu; replaces proline 695 with leucine.
Molecular consequence: missense variant.
Genome position (GRCh38, 1-based): chr15:90,950,164, C>T. VCF-style: chr15-90950164-C-T. GRCh37 (hg19) VCF-style: chr15-91493394-C-T.
Other names: c.2039C>T, p.Pro680Leu (NM_001039675.2, NM_001323621.2); c.2084C>T, p.Pro695Leu (NM_001323619.1); c.1649C>T, p.Pro550Leu (NM_001323620.2); short protein forms P550L, P680L, P695L.
Identifiers: ClinVar variation 1041738 (VCV001041738.4), dbSNP rs374422057, ClinGen allele CA7743187.